The following is an entry in ClinVar:

ClinVar aggregate classification (germline): Conflicting classifications of pathogenicity. Review status: criteria provided, conflicting classifications (1 of 4 stars). 2 submissions from 2 submitters: Uncertain significance (1); Likely benign (1). Last evaluated 2025-04-09.

Conditions:
Dilated cardiomyopathy 1G (CMD1G). Identifiers: Orphanet 154, MedGen C1858763, MONDO:0011400, OMIM 604145.
Autosomal recessive limb-girdle muscular dystrophy type 2J (LGMDR10). Also called: Limb-girdle muscular dystrophy, type 2J; MUSCULAR DYSTROPHY, LIMB-GIRDLE, AUTOSOMAL RECESSIVE 10. Identifiers: Orphanet 140922, MedGen C1837342, MONDO:0012127, OMIM 608807.

gnomAD v4.1: 2 of 1,613,976 alleles (0.00012%); highest among the groups gnomAD compares: Non-Finnish European, 0.00017%; no homozygotes.

Submissions (2):

Molecular Diagnostic Laboratory for Inherited Cardiovascular Disease, Montreal Heart Institute
Classification: Likely benign. Last evaluated: 2025-04-09. Review status: criteria provided, single submitter. Criteria: ACMG Guidelines, 2015. Collection method: clinical testing. Allele origin: germline. Affected: no.

Labcorp Genetics (formerly Invitae), Labcorp
Classification: Uncertain significance for Dilated cardiomyopathy 1G; Autosomal recessive limb-girdle muscular dystrophy type 2J. Last evaluated: 2024-07-26. Review status: criteria provided, single submitter. Criteria: Invitae Variant Classification Sherloc (09022015). Collection method: clinical testing. Allele origin: germline.
Comment: This sequence change replaces isoleucine, which is neutral and non-polar, with threonine, which is neutral and polar, at codon 34486 of the TTN protein (p.Ile34486Thr). This variant is not present in population databases (gnomAD no frequency). This variant has not been reported in the literature in individuals affected with TTN-related conditions. ClinVar contains an entry for this variant (Variation ID: 1497371). Experimental studies and prediction algorithms are not available or were not evaluated, and the functional significance of this variant is currently unknown. This variant is located in the M band of TTN (PMID: 25589632). Non-truncating variants in this region may be relevant for neuromuscular disorders, but have not been definitively shown to cause cardiomyopathy (PMID: 23975875). In summary, the available evidence is currently insufficient to determine the role of this variant in disease. Therefore, it has been classified as a Variant of Uncertain Significance.

Literature cited by the submitters: PubMed 25589632 (cited by Labcorp Genetics (formerly Invitae), Labcorp); PubMed 23975875 (cited by Labcorp Genetics (formerly Invitae), Labcorp).

NM_001267550.2(TTN):c.103457T>C (p.Ile34486Thr)

Genes: TTN (titin; minus strand), TTN-AS1 (TTN antisense RNA 1; plus strand). Cytogenetic location: 2q31.2.
Variant type: single nucleotide variant.
Coding change: c.103457T>C on transcript NM_001267550.2 (MANE Select); coding-DNA position 103457, T replaced by C.
Protein change: p.Ile34486Thr; replaces isoleucine 34486 with threonine.
Molecular consequence: missense variant.
Genome position (GRCh38, 1-based): chr2:178,533,158, A>G on the plus strand (T>C on the coding strand, the complement: TTN is on the minus strand). VCF-style: chr2-178533158-A-G. GRCh37 (hg19) VCF-style: chr2-179397885-A-G.
Other names: c.98534T>C, p.Ile32845Thr (NM_001256850.1); c.76262T>C, p.Ile25421Thr (NM_003319.4); c.95753T>C, p.Ile31918Thr (NM_133378.4); c.76637T>C, p.Ile25546Thr (NM_133432.3); c.76838T>C, p.Ile25613Thr (NM_133437.4); short protein forms I25613T, I31918T, I32845T, I34486T, I25421T, I25546T.
Identifiers: ClinVar variation 1497371 (VCV001497371.6), dbSNP rs2154134918, ClinGen allele CA349414228.